The following is an entry in ClinVar:

ClinVar aggregate classification (germline): Likely benign (1 of 4 stars; one submission).

Allele frequency attached by ClinVar (database versions not stated): ExAC 0.00002; gnomAD 0.00003; TOPMed 0.00003; gnomAD exomes 0.00009.
gnomAD v4.1: 149 of 1,613,888 alleles (0.0092%); highest among the groups gnomAD compares: Non-Finnish European, 0.011%; 1 homozygote.

Submission:

CeGaT Center for Human Genetics Tuebingen
Classification: Likely benign. Last evaluated: 2022-09-01. Review status: criteria provided, single submitter. Criteria: CeGaT Center For Human Genetics Tuebingen Variant Classification Criteria Version 2. Collection method: clinical testing. Allele origin: germline. Affected: yes. Observed: 1 variant allele.
Comment: SEC31A: BP4, BP7

NM_001077207.4(SEC31A):c.699C>T (p.Ser233=)

Gene: SEC31A (SEC31 homolog A, COPII component; minus strand). Cytogenetic location: 4q21.22.
Variant type: single nucleotide variant.
Coding change: c.699C>T on transcript NM_001077207.4 (MANE Select); coding-DNA position 699, C replaced by T.
Protein change: p.Ser233=; no amino-acid change (serine 233 retained).
Molecular consequence: synonymous variant.
Genome position (GRCh38, 1-based): chr4:82,872,027, G>A on the plus strand (C>T on the coding strand, the complement: SEC31A is on the minus strand). VCF-style: chr4-82872027-G-A. GRCh37 (hg19) VCF-style: chr4-83793180-G-A.
Other names: c.699C>T, p.Ser233= (NM_001400213.1, NM_001400216.1, NM_001400217.1 and 48 more transcripts); c.684C>T, p.Ser228= (NM_001400214.1, NM_001400212.1, NM_001191049.2); c.537C>T, p.Ser179= (NM_001400215.1); c.225C>T, p.Ser75= (NM_001400224.1).
Identifiers: ClinVar variation 2654853 (VCV002654853.24), dbSNP rs755744216, ClinGen allele CA2986847.